The following is an entry in ClinVar:

NM_000275.3(OCA2):c.2216T>C (p.Ile739Thr)

Gene: OCA2 (OCA2 melanosomal transmembrane protein; minus strand). Cytogenetic location: 15q13.1.
Variant type: single nucleotide variant.
Coding change: c.2216T>C on transcript NM_000275.3 (MANE Select); coding-DNA position 2216, T replaced by C.
Protein change: p.Ile739Thr; replaces isoleucine 739 with threonine.
Molecular consequence: missense variant.
Genome position (GRCh38, 1-based): chr15:27,871,182, A>G on the plus strand (T>C on the coding strand, the complement: OCA2 is on the minus strand). VCF-style: chr15-27871182-A-G. GRCh37 (hg19) VCF-style: chr15-28116328-A-G.
Other names: c.2144T>C, p.Ile715Thr (NM_001300984.2); short protein forms I715T, I739T.
Identifiers: ClinVar variation 2573387 (VCV002573387.7), dbSNP rs780628028, ClinGen allele CA267859829.

ClinVar aggregate classification (germline): Likely pathogenic. Review status: criteria provided, multiple submitters, no conflicts (2 of 4 stars). 5 submissions from 5 submitters: Likely pathogenic (4). 1 of the submissions does not count toward it. Last evaluated 2025-12-22.

Conditions:
Oculocutaneous albinism. Identifiers: Orphanet 55, MedGen C0078918, MONDO:0018910.
SKIN/HAIR/EYE PIGMENTATION 1, BLUE/NONBLUE EYES (SHEP1). Also called: BROWN EYE COLOR 2; EYE COLOR 3; EYE COLOR, BLUE/NONBLUE; EYE COLOR, BROWN/BLUE; HAIR COLOR 3; SKIN/HAIR/EYE PIGMENTATION 1, BLOND/BROWN HAIR. Identifiers: MedGen C1856895, OMIM 227220.
Tyrosinase-positive oculocutaneous albinism (OCA2). Also called: Albinism, oculocutaneous, type II; ALBINISM II; Oculocutaneous albinism type 2. Identifiers: Orphanet 79432, MedGen C0268495, MONDO:0008746, OMIM 203200.
OCA2-related disorder. Also called: OCA2-related condition.

Allele frequency attached by ClinVar (database versions not stated): gnomAD exomes 0.00001.
gnomAD v4.1: 8 of 1,614,020 alleles (0.0005%); highest among the groups gnomAD compares: Non-Finnish European, 0.00068%; no homozygotes.

Submissions (5):

Labcorp Genetics (formerly Invitae), Labcorp
Classification: Likely pathogenic. Last evaluated: 2025-12-22. Review status: criteria provided, single submitter. Criteria: Invitae Variant Classification Sherloc (09022015). Collection method: clinical testing. Allele origin: germline.
Comment: This sequence change replaces isoleucine, which is neutral and non-polar, with threonine, which is neutral and polar, at codon 739 of the OCA2 protein (p.Ile739Thr). This variant is not present in population databases (gnomAD no frequency). This missense change has been observed in individual(s) with clinical features of oculocutaneous albinism (PMID: 20861488, 27734839). It has also been observed to segregate with disease in related individuals. ClinVar contains an entry for this variant (Variation ID: 2573387). Invitae Evidence Modeling of protein sequence and biophysical properties (such as structural, functional, and spatial information, amino acid conservation, physicochemical variation, residue mobility, and thermodynamic stability) indicates that this missense variant is expected to disrupt OCA2 protein function with a positive predictive value of 80%. In summary, the currently available evidence indicates that the variant is pathogenic, but additional data are needed to prove that conclusively. Therefore, this variant has been classified as Likely Pathogenic.

Baylor Genetics
Classification: Likely pathogenic for SKIN/HAIR/EYE PIGMENTATION 1, BLUE/NONBLUE EYES. Last evaluated: 2024-03-17. Review status: criteria provided, single submitter. Criteria: ACMG Guidelines, 2015. Collection method: clinical testing. Allele origin: unknown.

Fulgent Genetics
Classification: Likely pathogenic for Tyrosinase-positive oculocutaneous albinism; SKIN/HAIR/EYE PIGMENTATION 1, BLUE/NONBLUE EYES. Last evaluated: 2024-02-14. Review status: criteria provided, single submitter. Criteria: ACMG Guidelines, 2015. Collection method: clinical testing. Allele origin: germline.

Women's Health and Genetics/Laboratory Corporation of America, LabCorp
Classification: Likely pathogenic for Oculocutaneous albinism. Last evaluated: 2023-06-26. Review status: criteria provided, single submitter. Criteria: LabCorp Variant Classification Summary - May 2015. Collection method: clinical testing. Allele origin: germline.
Comment: Variant summary: OCA2 c.2216T>C (p.Ile739Thr) results in a non-conservative amino acid change located in the citrate transporter-like domain (IPR004680) of the encoded protein sequence. Five of five in-silico tools predict a damaging effect of the variant on protein function. The variant was absent in 251372 control chromosomes (gnomAD). c.2216T>C has been reported in the literature as a biallelic genotype in individuals affected with Oculocutaneous Albinism (Gargiulo_2011, Mauri_2017). These data indicate that the variant is likely to be associated with disease. To our knowledge, no experimental evidence demonstrating an impact on protein function has been reported. The following publications have been ascertained in the context of this evaluation (PMID: 20861488, 27734839). No submitters have cited clinical-significance assessments for this variant to ClinVar after 2014. Based on the evidence outlined above, the variant was classified as likely pathogenic.

PreventionGenetics, part of Exact Sciences
Classification: Likely pathogenic for OCA2-related condition. Last evaluated: 2024-05-21. Review status: no assertion criteria provided. Collection method: clinical testing. Allele origin: germline. Not counted in ClinVar's aggregate classification.
Comment: The OCA2 c.2216T>C variant is predicted to result in the amino acid substitution p.Ile739Thr. This variant has been reported in the homozygous state in two siblings with oculocutaneous albinism (Gargiulo et al. 2011. PubMed ID: 20861488) and in the compound heterozygous state in an unrelated individual with oculocutaneous albinism (Mauri et al. 2016. PubMed ID: 27734839). This variant has not been reported in a large population database, indicating this variant is rare. Given the evidence, we interpret this variant as likely pathogenic.

Literature cited by the submitters: PubMed 20861488 (cited by Labcorp Genetics (formerly Invitae), Labcorp and Women's Health and Genetics/Laboratory Corporation of America, LabCorp); PubMed 27734839 (cited by Labcorp Genetics (formerly Invitae), Labcorp and Women's Health and Genetics/Laboratory Corporation of America, LabCorp).